The following is an entry in ClinVar:

ClinVar aggregate classification (germline): Uncertain significance. Review status: criteria provided, multiple submitters, no conflicts (2 of 4 stars). 3 submissions from 3 submitters: Uncertain significance (3). Last evaluated 2023-12-14.

Conditions:
Inborn genetic diseases. Identifiers: MedGen C0950123, MeSH D030342.

Allele frequency attached by ClinVar (database versions not stated): gnomAD 0.00001 and 0.00002; ExAC 0.00002; gnomAD exomes 0.00002 and 0.00010; TOPMed 0.00002.
gnomAD v4.1: 38 of 1,614,082 alleles (0.0024%); highest among the groups gnomAD compares: Admixed American, 0.057%; no homozygotes.

Submissions (3):

Ambry Genetics
Classification: Uncertain significance for Inborn genetic diseases. Last evaluated: 2023-12-14. Review status: criteria provided, single submitter. Criteria: Ambry Variant Classification Scheme 2023. Collection method: clinical testing. Allele origin: germline.

Labcorp Genetics (formerly Invitae), Labcorp
Classification: Uncertain significance. Last evaluated: 2023-10-03. Review status: criteria provided, single submitter. Criteria: Invitae Variant Classification Sherloc (09022015). Collection method: clinical testing. Allele origin: germline.
Comment: This sequence change replaces methionine, which is neutral and non-polar, with threonine, which is neutral and polar, at codon 98 of the PDE6A protein (p.Met98Thr). This variant is present in population databases (rs760522551, gnomAD 0.08%). This variant has not been reported in the literature in individuals affected with PDE6A-related conditions. ClinVar contains an entry for this variant (Variation ID: 845051). Advanced modeling of protein sequence and biophysical properties (such as structural, functional, and spatial information, amino acid conservation, physicochemical variation, residue mobility, and thermodynamic stability) performed at Invitae indicates that this missense variant is not expected to disrupt PDE6A protein function. In summary, the available evidence is currently insufficient to determine the role of this variant in disease. Therefore, it has been classified as a Variant of Uncertain Significance.

Blueprint Genetics
Classification: Uncertain significance. Last evaluated: 2022-11-09. Review status: criteria provided, single submitter. Criteria: ACMG Guidelines, 2015. Collection method: clinical testing. Allele origin: germline.

NM_000440.3(PDE6A):c.293T>C (p.Met98Thr)

Gene: PDE6A (phosphodiesterase 6A; minus strand). Cytogenetic location: 5q32.
Variant type: single nucleotide variant.
Coding change: c.293T>C on transcript NM_000440.3 (MANE Select); coding-DNA position 293, T replaced by C.
Protein change: p.Met98Thr; replaces methionine 98 with threonine.
Molecular consequence: missense variant.
Genome position (GRCh38, 1-based): chr5:149,944,381, A>G on the plus strand (T>C on the coding strand, the complement: PDE6A is on the minus strand). VCF-style: chr5-149944381-A-G. GRCh37 (hg19) VCF-style: chr5-149323944-A-G.
Other names: short protein forms M98T.
Identifiers: ClinVar variation 845051 (VCV000845051.7), dbSNP rs760522551, ClinGen allele CA3505087.